The following is an entry in ClinVar:

ClinVar aggregate classification (germline): Likely benign (1 of 4 stars; one submission).

Conditions:
LRRC45-related disorder. Also called: LRRC45-related condition.

Submission:

PreventionGenetics, part of Exact Sciences
Classification: Likely benign for LRRC45-related condition. Last evaluated: 2025-10-20. Review status: criteria provided, single submitter. Criteria: ACMG Guidelines, 2015. Collection method: clinical testing. Allele origin: germline.
Comment: This variant is classified as likely benign based on ACMG/AMP sequence variant interpretation guidelines (Richards et al. 2015 PMID: 25741868, with internal and published modifications).

NM_144999.4(LRRC45):c.1816+3G>A

Gene: LRRC45 (leucine rich repeat containing 45; plus strand). Cytogenetic location: 17q25.3.
Variant type: single nucleotide variant.
Coding change: c.1816+3G>A on transcript NM_144999.4 (MANE Select); 3 bases into the intron after coding-DNA position 1816, G replaced by A.
Molecular consequence: intron variant.
Genome position (GRCh38, 1-based): chr17:82,030,469, G>A. VCF-style: chr17-82030469-G-A. GRCh37 (hg19) VCF-style: chr17-79988345-G-A.
Identifiers: ClinVar variation 5001903 (VCV005001903.1).